The following is an entry in ClinVar:

NM_000264.5(PTCH1):c.3059_3062dup (p.Tyr1021Ter)

Gene: PTCH1 (patched 1; minus strand). Cytogenetic location: 9q22.32.
Variant type: Duplication.
Coding change: c.3059_3062dup on transcript NM_000264.5 (MANE Select); coding-DNA positions 3059 to 3062, 4 bases duplicated (AGTA; older notation c.3059_3062dupAGTA).
Protein change: p.Tyr1021Ter; replaces tyrosine 1021 with a stop codon.
Molecular consequence: nonsense. On other transcripts: non-coding transcript variant (1).
Genome position (GRCh38, 1-based): chr9:95,458,119-95,458,122, TACT duplicated on the plus strand (AGTA on the coding strand, the reverse complement: PTCH1 is on the minus strand). VCF-style (leftmost placement, unchanged base first): chr9-95458118-G-GTACT. GRCh37 (hg19) VCF-style: chr9-98220400-G-GTACT.
Other names: c.2861_2864dup, p.Tyr955Ter (NM_001083602.3); c.3056_3059dup, p.Tyr1020Ter (NM_001083603.3); c.2606_2609dup, p.Tyr870Ter (NM_001083604.3, NM_001083605.3, NM_001083606.3 and 1 more transcripts); c.2903_2906dup, p.Tyr969Ter (NM_001354918.2); short protein forms Y1020*, Y870*, Y1021*, Y955*, Y969*.
Identifiers: ClinVar variation 941164 (VCV000941164.8), dbSNP rs1839113498, ClinGen allele CA1139661048.

ClinVar aggregate classification (germline): Pathogenic (1 of 4 stars; one submission).

Conditions:
Gorlin syndrome. Also called: Nevoid Basal Cell Carcinoma Syndrome; Basal cell nevus syndrome. Identifiers: Orphanet 377, MedGen C0004779, MONDO:0007187.

Submission:

Labcorp Genetics (formerly Invitae), Labcorp
Classification: Pathogenic for Gorlin syndrome. Last evaluated: 2019-08-01. Review status: criteria provided, single submitter. Criteria: Invitae Variant Classification Sherloc (09022015). Collection method: clinical testing. Allele origin: germline.
Comment: For these reasons, this variant has been classified as Pathogenic. Loss-of-function variants in PTCH1 are known to be pathogenic (PMID: 16301862, 16419085). This variant has not been reported in the literature in individuals with PTCH1-related conditions. This variant is not present in population databases (ExAC no frequency). This sequence change creates a premature translational stop signal (p.Tyr1021*) in the PTCH1 gene. It is expected to result in an absent or disrupted protein product.

Literature cited by the submitters: PubMed 16301862; PubMed 16419085.